The following is an entry in ClinVar:

NM_001253697.2(ERBIN):c.3526A>G (p.Arg1176Gly)

Gene: ERBIN (erbb2 interacting protein; plus strand). Cytogenetic location: 5q12.3.
Variant type: single nucleotide variant.
Coding change: c.3526A>G on transcript NM_001253697.2 (MANE Select); coding-DNA position 3526, A replaced by G.
Protein change: p.Arg1176Gly; replaces arginine 1176 with glycine.
Molecular consequence: missense variant.
Genome position (GRCh38, 1-based): chr5:66,054,844, A>G. VCF-style: chr5-66054844-A-G. GRCh37 (hg19) VCF-style: chr5-65350672-A-G.
Other names: c.3526A>G, p.Arg1176Gly (NM_001006600.3, NM_001253698.2, NM_001253699.2 and 1 more transcripts); c.3514A>G, p.Arg1172Gly (NM_001253701.2); short protein forms R1176G, R1172G.
Identifiers: ClinVar variation 1358565 (VCV001358565.6), dbSNP rs745566264, ClinGen allele CA3286671.

ClinVar aggregate classification (germline): Uncertain significance (1 of 4 stars; one submission).

Allele frequency attached by ClinVar (database versions not stated): gnomAD 0.00001; TOPMed 0.00002; gnomAD exomes 0.00003; ExAC 0.00006.
gnomAD v4.1: 43 of 1,614,130 alleles (0.0027%); highest among the groups gnomAD compares: Middle Eastern, 0.033%; no homozygotes.

Submission:

Labcorp Genetics (formerly Invitae), Labcorp
Classification: Uncertain significance. Last evaluated: 2025-10-21. Review status: criteria provided, single submitter. Criteria: Invitae Variant Classification Sherloc (09022015). Collection method: clinical testing. Allele origin: germline.
Comment: This sequence change replaces arginine, which is basic and polar, with glycine, which is neutral and non-polar, at codon 1176 of the ERBIN protein (p.Arg1176Gly). This variant is present in population databases (rs745566264, gnomAD 0.007%). This variant has not been reported in the literature in individuals affected with ERBIN-related conditions. ClinVar contains an entry for this variant (Variation ID: 1358565). An algorithm developed to predict the effect of missense changes on protein structure and function (PolyPhen-2) suggests that this variant is likely to be disruptive. In summary, the available evidence is currently insufficient to determine the role of this variant in disease. Therefore, it has been classified as a Variant of Uncertain Significance.